The following is an entry in ClinVar:

NM_000256.3(MYBPC3):c.1713G>A (p.Glu571=)

Gene: MYBPC3 (myosin binding protein C3; minus strand). Cytogenetic location: 11p11.2.
Variant type: single nucleotide variant.
Coding change: c.1713G>A on transcript NM_000256.3 (MANE Select); coding-DNA position 1713, G replaced by A.
Protein change: p.Glu571=; no amino-acid change (glutamic acid 571 retained).
Molecular consequence: synonymous variant.
Genome position (GRCh38, 1-based): chr11:47,342,068, C>T on the plus strand (G>A on the coding strand, the complement: MYBPC3 is on the minus strand). VCF-style: chr11-47342068-C-T. GRCh37 (hg19) VCF-style: chr11-47363619-C-T.
Other names: c.1713G>A, p.Glu571= (LRG_386t1).
Identifiers: ClinVar variation 414441 (VCV000414441.16), dbSNP rs1060504241, ClinGen allele CA16613619.

ClinVar aggregate classification (germline): Likely benign. Review status: criteria provided, multiple submitters, no conflicts (2 of 4 stars). 5 submissions from 5 submitters: Likely benign (5). Last evaluated 2025-06-06.

Conditions:
Cardiovascular phenotype. Identifiers: MedGen CN230736.
Hypertrophic cardiomyopathy. Also called: HYPERTROPHIC MYOCARDIOPATHY. Identifiers: Orphanet 217569, MedGen C0007194, MeSH D002312, MONDO:0005045, HP:0001639.

Allele frequency attached by ClinVar (database versions not stated): gnomAD exomes 0.00001.
gnomAD v4.1: 8 of 1,613,560 alleles (0.0005%); highest among the groups gnomAD compares: Non-Finnish European, 0.00059%; no homozygotes.

Submissions (5):

Labcorp Genetics (formerly Invitae), Labcorp
Classification: Likely benign for Hypertrophic cardiomyopathy. Last evaluated: 2025-06-06. Review status: criteria provided, single submitter. Criteria: Invitae Variant Classification Sherloc (09022015). Collection method: clinical testing. Allele origin: germline.

Molecular Diagnostic Laboratory for Inherited Cardiovascular Disease, Montreal Heart Institute
Classification: Likely benign. Last evaluated: 2025-04-09. Review status: criteria provided, single submitter. Criteria: ACMG Guidelines, 2015. Collection method: clinical testing. Allele origin: germline. Affected: no.

Blueprint Genetics
Classification: Likely benign. Last evaluated: 2024-05-06. Review status: criteria provided, single submitter. Criteria: ACMG Guidelines, 2015. Collection method: clinical testing. Allele origin: germline.

All of Us Research Program, National Institutes of Health
Classification: Likely benign for Hypertrophic cardiomyopathy. Last evaluated: 2023-10-02. Review status: criteria provided, single submitter. Criteria: ACMG Guidelines, 2015. Collection method: clinical testing. Allele origin: germline. Inheritance: Autosomal dominant inheritance. Observed: 1 variant allele, 1 heterozygote.
Comment: This study involves interpretation of variants in research participants for the purpose of population health screening. Participant phenotype was not available at the time of variant classification. Additional details can be found in publication PMID: 35346344, PMCID: PMC8962531

Ambry Genetics
Classification: Likely benign for Cardiovascular phenotype. Last evaluated: 2022-09-17. Review status: criteria provided, single submitter. Criteria: Ambry Variant Classification Scheme 2023. Collection method: clinical testing. Allele origin: germline.